The following is an entry in ClinVar:

NM_005502.4(ABCA1):c.1804C>T (p.Gln602Ter)

Gene: ABCA1 (ATP binding cassette subfamily A member 1; minus strand). Cytogenetic location: 9q31.1.
Variant type: single nucleotide variant.
Coding change: c.1804C>T on transcript NM_005502.4 (MANE Select); coding-DNA position 1804, C replaced by T.
Protein change: p.Gln602Ter; replaces glutamine 602 with a stop codon.
Molecular consequence: nonsense.
Genome position (GRCh38, 1-based): chr9:104,831,013, G>A on the plus strand (C>T on the coding strand, the complement: ABCA1 is on the minus strand). VCF-style: chr9-104831013-G-A. GRCh37 (hg19) VCF-style: chr9-107593294-G-A.
Other names: short protein forms Q602*.
Identifiers: ClinVar variation 4730816 (VCV004730816.1).

ClinVar aggregate classification (germline): Pathogenic (1 of 4 stars; one submission).

Submission:

Labcorp Genetics (formerly Invitae), Labcorp
Classification: Pathogenic. Last evaluated: 2025-11-18. Review status: criteria provided, single submitter. Criteria: Invitae Variant Classification Sherloc (09022015). Collection method: clinical testing. Allele origin: germline.
Comment: This sequence change creates a premature translational stop signal (p.Gln602*) in the ABCA1 gene. It is expected to result in an absent or disrupted protein product. Loss-of-function variants in ABCA1 are known to be pathogenic (PMID: 10525055, 10760292, 20880529). This variant is not present in population databases (gnomAD no frequency). This variant has not been reported in the literature in individuals affected with ABCA1-related conditions. For these reasons, this variant has been classified as Pathogenic.

Literature cited by the submitters: PubMed 10525055; PubMed 10760292; PubMed 20880529.